The following is an entry in ClinVar:

NM_006231.4(POLE):c.909+2T>C

Gene: POLE (DNA polymerase epsilon, catalytic subunit; minus strand). Cytogenetic location: 12q24.33.
Variant type: single nucleotide variant.
Coding change: c.909+2T>C on transcript NM_006231.4 (MANE Select); the canonical splice donor site of the intron after coding-DNA position 909, T replaced by C.
Molecular consequence: splice donor variant.
Genome position (GRCh38, 1-based): chr12:132,676,544, A>G on the plus strand (T>C on the coding strand, the complement: POLE is on the minus strand). VCF-style: chr12-132676544-A-G. GRCh37 (hg19) VCF-style: chr12-133253130-A-G.
Other names: c.909+2T>C (NM_006231.2).
Identifiers: ClinVar variation 1943285 (VCV001943285.6), dbSNP rs2136015352, ClinGen allele CA387364092.

ClinVar aggregate classification (germline): Conflicting classifications of pathogenicity. Review status: criteria provided, conflicting classifications (1 of 4 stars). 2 submissions from 2 submitters: Likely pathogenic (1); Uncertain significance (1). Last evaluated 2026-06-08.

Conditions:
Hereditary cancer-predisposing syndrome. Also called: Neoplastic Syndromes, Hereditary; Tumor predisposition; Hereditary Cancer Syndrome; Hereditary neoplastic syndrome. Identifiers: Orphanet 140162, MedGen C0027672, MeSH D009386, MONDO:0015356.

Submissions (2):

Ambry Genetics
Classification: Uncertain significance for Hereditary cancer-predisposing syndrome. Last evaluated: 2026-06-08. Review status: criteria provided, single submitter. Criteria: Ambry Variant Classification Scheme 2023. Collection method: clinical testing. Allele origin: germline.
Comment: The c.909+2T>C intronic variant results from a T to C substitution two nucleotides after coding exon 9 in the POLE gene. This variant is considered to be rare based on population cohorts in the Genome Aggregation Database (gnomAD). This nucleotide position is highly conserved in available vertebrate species. In silico splice site analysis predicts that this alteration will weaken the native splice donor site and will result in the creation or strengthening of a novel splice donor site. RNA studies have demonstrated that this variant results in abnormal splicing in the set of samples tested (Ambry internal data). Variants that disrupt the canonical splice site are expected to cause aberrant splicing, resulting in an abnormal protein or a transcript that is subject to nonsense-mediated mRNA decay. Although biallelic loss of function of POLE has been associated with autosomal recessive POLE deficiency, haploinsufficiency of POLE has not been established as a mechanism of disease for POLE-related polymerase proofreading-associated polyposis (PPAP) and POLE-related CMMRD-like syndrome. Based on the supporting evidence, this variant is expected to be causative of POLE deficiency when present along with a second pathogenic variant on the other allele; however, its clinical significance for PPAP and POLE-related CMMRD-like syndrome is unclear.

Labcorp Genetics (formerly Invitae), Labcorp
Classification: Likely pathogenic. Last evaluated: 2023-10-19. Review status: criteria provided, single submitter. Criteria: Invitae Variant Classification Sherloc (09022015). Collection method: clinical testing. Allele origin: germline.
Comment: This sequence change affects a donor splice site in intron 9 of the POLE gene. It is expected to disrupt RNA splicing. Variants that disrupt the donor or acceptor splice site typically lead to a loss of protein function (PMID: 16199547), and loss-of-function variants in POLE are known to be pathogenic (PMID: 23230001, 25948378, 30503519). This variant is not present in population databases (gnomAD no frequency). This variant has not been reported in the literature in individuals affected with POLE-related conditions. ClinVar contains an entry for this variant (Variation ID: 1943285). Algorithms developed to predict the effect of sequence changes on RNA splicing suggest that this variant may disrupt the consensus splice site. In summary, the currently available evidence indicates that the variant is pathogenic, but additional data are needed to prove that conclusively. Therefore, this variant has been classified as Likely Pathogenic.

Literature cited by the submitters: PubMed 16199547 (cited by Labcorp Genetics (formerly Invitae), Labcorp); PubMed 23230001 (cited by Labcorp Genetics (formerly Invitae), Labcorp); PubMed 25948378 (cited by Labcorp Genetics (formerly Invitae), Labcorp); PubMed 30503519 (cited by Labcorp Genetics (formerly Invitae), Labcorp).